The following is an entry in ClinVar:

NM_001142800.2(EYS):c.569T>C (p.Leu190Pro)

Gene: EYS (eyes shut homolog; minus strand). Cytogenetic location: 6q12.
Variant type: single nucleotide variant.
Coding change: c.569T>C on transcript NM_001142800.2 (MANE Select); coding-DNA position 569, T replaced by C.
Protein change: p.Leu190Pro; replaces leucine 190 with proline.
Molecular consequence: missense variant.
Genome position (GRCh38, 1-based): chr6:65,494,842, A>G on the plus strand (T>C on the coding strand, the complement: EYS is on the minus strand). VCF-style: chr6-65494842-A-G. GRCh37 (hg19) VCF-style: chr6-66204735-A-G.
Other names: c.569T>C, p.Leu190Pro (NM_001142801.2, NM_001292009.2, NM_198283.2); short protein forms L190P.
Identifiers: ClinVar variation 2160774 (VCV002160774.1), dbSNP rs2533028141, ClinGen allele CA364789624.

ClinVar aggregate classification (germline): Uncertain significance (1 of 4 stars; one submission).

Submission:

Labcorp Genetics (formerly Invitae), Labcorp
Classification: Uncertain significance. Last evaluated: 2022-04-11. Review status: criteria provided, single submitter. Criteria: Invitae Variant Classification Sherloc (09022015). Collection method: clinical testing. Allele origin: germline.
Comment: This sequence change replaces leucine, which is neutral and non-polar, with proline, which is neutral and non-polar, at codon 190 of the EYS protein (p.Leu190Pro). This variant is not present in population databases (gnomAD no frequency). This variant has not been reported in the literature in individuals affected with EYS-related conditions. Algorithms developed to predict the effect of missense changes on protein structure and function (SIFT, PolyPhen-2, Align-GVGD) all suggest that this variant is likely to be disruptive. In summary, the available evidence is currently insufficient to determine the role of this variant in disease. Therefore, it has been classified as a Variant of Uncertain Significance.